The following is an entry in ClinVar:

NM_020800.3(IFT80):c.763T>C (p.Cys255Arg)

Genes: TRIM59-IFT80 (TRIM59-IFT80 readthrough (NMD candidate); minus strand), IFT80 (intraflagellar transport 80; minus strand). Cytogenetic location: 3q25.33.
Variant type: single nucleotide variant.
Coding change: c.763T>C on transcript NM_020800.3 (MANE Select); coding-DNA position 763, T replaced by C.
Protein change: p.Cys255Arg; replaces cysteine 255 with arginine.
Molecular consequence: missense variant. On other transcripts: non-coding transcript variant (3).
Genome position (GRCh38, 1-based): chr3:160,356,027, A>G on the plus strand (T>C on the coding strand, the complement: IFT80 is on the minus strand). VCF-style: chr3-160356027-A-G. GRCh37 (hg19) VCF-style: chr3-160073815-A-G.
Other names: c.352T>C, p.Cys118Arg (NM_001190241.2, NM_001190242.2); short protein forms C118R, C255R.
Identifiers: ClinVar variation 1059471 (VCV001059471.8), dbSNP rs2108360083, ClinGen allele CA355192705.
Genomic context (GRCh38, chr3:160,356,027, plus strand): 5'-CACATTTATGACAGCACATCTGTGATTGCTCACCACTATAACTTACCCCAGTTTTATCAC[A>G]CAAGCGTAAAGTATGAAACGATCCAACAGCAAATAATTCTCCATCTGGAGCCCAGGCAAC-3'
Protein context (NP_065851.1, residues 245-265): AVGSFHTLRL[Cys255Arg]DKTGWSYALE

ClinVar aggregate classification (germline): Uncertain significance (1 of 4 stars; one submission).

Conditions:
Jeune thoracic dystrophy. Also called: Jeune syndrome; Infantile thoracic dystrophy; Thoracic pelvic phalangeal dystrophy; Jeune's syndrome; Chondroectodermal dysplasia-like syndrome; Short-rib thoracic dysplasia. Identifiers: Orphanet 474, MedGen C0265275, MONDO:0018770.

Allele frequency attached by ClinVar (database versions not stated): gnomAD exomes below 0.00001.
gnomAD v4.1: 1 of 1,614,056 alleles (0.000062%); highest among the groups gnomAD compares: Non-Finnish European, 0.000085%; no homozygotes.

Submission:

Labcorp Genetics (formerly Invitae), Labcorp
Classification: Uncertain significance for Jeune thoracic dystrophy. Last evaluated: 2025-01-13. Review status: criteria provided, single submitter. Criteria: Invitae Variant Classification Sherloc (09022015). Collection method: clinical testing. Allele origin: germline.
Comment: This sequence change replaces cysteine, which is neutral and slightly polar, with arginine, which is basic and polar, at codon 255 of the IFT80 protein (p.Cys255Arg). This variant is not present in population databases (gnomAD no frequency). This variant has not been reported in the literature in individuals affected with IFT80-related conditions. ClinVar contains an entry for this variant (Variation ID: 1059471). Invitae Evidence Modeling of protein sequence and biophysical properties (such as structural, functional, and spatial information, amino acid conservation, physicochemical variation, residue mobility, and thermodynamic stability) has been performed for this missense variant. However, the output from this modeling did not meet the statistical confidence thresholds required to predict the impact of this variant on IFT80 protein function. In summary, the available evidence is currently insufficient to determine the role of this variant in disease. Therefore, it has been classified as a Variant of Uncertain Significance.